The following is an entry in ClinVar:

NM_002202.3(ISL1):c.158A>G (p.Asp53Gly)

Gene: ISL1 (ISL LIM homeobox 1; plus strand). Cytogenetic location: 5q11.1.
Variant type: single nucleotide variant.
Coding change: c.158A>G on transcript NM_002202.3 (MANE Select); coding-DNA position 158, A replaced by G.
Protein change: p.Asp53Gly; replaces aspartic acid 53 with glycine.
Molecular consequence: missense variant.
Genome position (GRCh38, 1-based): chr5:51,384,670, A>G. VCF-style: chr5-51384670-A-G. GRCh37 (hg19) VCF-style: chr5-50680504-A-G.
Other names: short protein forms D53G.
Identifiers: ClinVar variation 4999492 (VCV004999492.1).

ClinVar aggregate classification (germline): Uncertain significance (1 of 4 stars; one submission).

Conditions:
ISL1-related disorder. Also called: ISL1-related condition.

Submission:

PreventionGenetics, part of Exact Sciences
Classification: Uncertain significance for ISL1-related condition. Last evaluated: 2025-07-31. Review status: criteria provided, single submitter. Criteria: ACMG Guidelines, 2015. Collection method: clinical testing. Allele origin: germline.
Comment: The ISL1 c.158A>G variant is predicted to result in the amino acid substitution p.Asp53Gly. To our knowledge, this variant has not been reported in the literature or in a large population database (gnomAD), indicating this variant is rare. At this time, the clinical significance of this variant is uncertain due to the absence of conclusive functional and genetic evidence.